The following is an entry in ClinVar:

NM_000492.4(CFTR):c.1500C>T (p.Gly500=)

Genes: CFTR (CF transmembrane conductance regulator; plus strand), CFTR-AS1 (CFTR antisense RNA 1; minus strand). Cytogenetic location: 7q31.2.
Variant type: single nucleotide variant.
Coding change: c.1500C>T on transcript NM_000492.4 (MANE Select); coding-DNA position 1500, C replaced by T.
Protein change: p.Gly500=; no amino-acid change (glycine 500 retained).
Molecular consequence: synonymous variant.
Genome position (GRCh38, 1-based): chr7:117,559,571, C>T. VCF-style: chr7-117559571-C-T. GRCh37 (hg19) VCF-style: chr7-117199625-C-T.
Identifiers: ClinVar variation 3030860 (VCV003030860.3), dbSNP rs762619288, ClinGen allele CA457228835.

ClinVar aggregate classification (germline): Likely benign. Review status: criteria provided, single submitter (1 of 4 stars). 2 submissions from 2 submitters: Likely benign (1). 1 of the submissions does not count toward it. Last evaluated 2023-10-15.

Conditions:
CFTR-related disorder (CFTR-RD). Also called: CFTR-related condition; CFTR-related disorders. Identifiers: MedGen C5924204, MONDO:7770004.
Cystic fibrosis (CF). Also called: MUCOVISCIDOSIS. Identifiers: Orphanet 586, MedGen C0010674, MONDO:0009061, OMIM 219700. Disease mechanism: loss of function.

Allele frequency attached by ClinVar (database versions not stated): TOPMed 0.00001.
gnomAD v4.1: 2 of 1,611,832 alleles (0.00012%); highest among the groups gnomAD compares: Admixed American, 0.0017%; no homozygotes.

Submissions (2):

Ambry Genetics
Classification: Likely benign for Cystic fibrosis. Last evaluated: 2023-10-15. Review status: criteria provided, single submitter. Criteria: Ambry Variant Classification Scheme 2023. Collection method: clinical testing. Allele origin: germline.

PreventionGenetics, part of Exact Sciences
Classification: Likely benign for CFTR-related condition. Last evaluated: 2022-12-27. Review status: no assertion criteria provided. Collection method: clinical testing. Allele origin: germline. Not counted in ClinVar's aggregate classification.
Comment: This variant is classified as likely benign based on ACMG/AMP sequence variant interpretation guidelines (Richards et al. 2015 PMID: 25741868, with internal and published modifications).